The following is an entry in ClinVar:

ClinVar aggregate classification (germline): Uncertain significance (1 of 4 stars; one submission).

Allele frequency attached by ClinVar (database versions not stated): ExAC 0.00004; 1000 Genomes Project 30x 0.00016; gnomAD 0.00003.
gnomAD v4.1: 25 of 1,608,266 alleles (0.0016%); highest among the groups gnomAD compares: East Asian, 0.047%; no homozygotes.

Submission:

Labcorp Genetics (formerly Invitae), Labcorp
Classification: Uncertain significance. Last evaluated: 2022-09-13. Review status: criteria provided, single submitter. Criteria: Invitae Variant Classification Sherloc (09022015). Collection method: clinical testing. Allele origin: germline.
Comment: This sequence change replaces leucine, which is neutral and non-polar, with valine, which is neutral and non-polar, at codon 461 of the TYMP protein (p.Leu461Val). This variant is present in population databases (rs759980987, gnomAD 0.03%). This variant has not been reported in the literature in individuals affected with TYMP-related conditions. Advanced modeling of protein sequence and biophysical properties (such as structural, functional, and spatial information, amino acid conservation, physicochemical variation, residue mobility, and thermodynamic stability) performed at Invitae indicates that this missense variant is not expected to disrupt TYMP protein function. In summary, the available evidence is currently insufficient to determine the role of this variant in disease. Therefore, it has been classified as a Variant of Uncertain Significance.

NM_001953.5(TYMP):c.1381C>G (p.Leu461Val)

Genes: SCO2 (synthesis of cytochrome C oxidase 2; minus strand), TYMP (thymidine phosphorylase; minus strand), LOC130067862 (ATAC-STARR-seq lymphoblastoid silent region 13986; plus strand). Cytogenetic location: 22q13.33.
Variant type: single nucleotide variant.
Coding change: c.1381C>G on transcript NM_001953.5 (MANE Select); coding-DNA position 1381, C replaced by G.
Protein change: p.Leu461Val; replaces leucine 461 with valine.
Molecular consequence: missense variant. On other transcripts: intron variant (2).
Genome position (GRCh38, 1-based): chr22:50,525,838, G>C on the plus strand (C>G on the coding strand, the complement: TYMP is on the minus strand). VCF-style: chr22-50525838-G-C. GRCh37 (hg19) VCF-style: chr22-50964267-G-C.
Other names: c.1381C>G, p.Leu461Val (NM_001257988.1, NM_001113755.3, NM_001113756.3); c.1396C>G, p.Leu466Val (NM_001257989.1); c.-14+408C>G (NM_001169109.2); c.-14+163C>G (NM_001169110.1); short protein forms L466V, L461V.
Identifiers: ClinVar variation 2139995 (VCV002139995.1), dbSNP rs759980987, ClinGen allele CA10321415.